The following is an entry in ClinVar:

NM_015450.3(POT1):c.1322A>C (p.Asn441Thr)

Gene: POT1 (protection of telomeres 1; minus strand). Cytogenetic location: 7q31.33.
Variant type: single nucleotide variant.
Coding change: c.1322A>C on transcript NM_015450.3 (MANE Select); coding-DNA position 1322, A replaced by C.
Protein change: p.Asn441Thr; replaces asparagine 441 with threonine.
Molecular consequence: missense variant. On other transcripts: non-coding transcript variant (3).
Genome position (GRCh38, 1-based): chr7:124,841,020, T>G on the plus strand (A>C on the coding strand, the complement: POT1 is on the minus strand). VCF-style: chr7-124841020-T-G. GRCh37 (hg19) VCF-style: chr7-124481074-T-G.
Other names: c.929A>C, p.Asn310Thr (NM_001042594.2); short protein forms N441T, N310T.
Identifiers: ClinVar variation 655638 (VCV000655638.12), dbSNP rs1477300313, ClinGen allele CA369066864.

ClinVar aggregate classification (germline): Uncertain significance. Review status: criteria provided, multiple submitters, no conflicts (2 of 4 stars). 3 submissions from 3 submitters: Uncertain significance (3). Last evaluated 2025-10-02.

Conditions:
Hereditary cancer-predisposing syndrome. Also called: Tumor predisposition; Neoplastic Syndromes, Hereditary; Hereditary Cancer Syndrome; Hereditary neoplastic syndrome. Identifiers: Orphanet 140162, MedGen C0027672, MeSH D009386, MONDO:0015356.
Tumor predisposition syndrome 3 (TPDS3). Also called: Melanoma, cutaneous malignant, susceptibility to, 10; Glioma susceptibility 9; LONG TELOMERE SYNDROME, POT1-RELATED; POT1 Tumor Predisposition. Identifiers: Orphanet 618, MedGen C4014476, MONDO:0014368, OMIM 615848.

gnomAD v4.1: 4 of 1,612,030 alleles (0.00025%); highest among the groups gnomAD compares: Non-Finnish European, 0.00034%; no homozygotes.

Submissions (3):

Labcorp Genetics (formerly Invitae), Labcorp
Classification: Uncertain significance for Tumor predisposition syndrome 3. Last evaluated: 2025-10-02. Review status: criteria provided, single submitter. Criteria: Invitae Variant Classification Sherloc (09022015). Collection method: clinical testing. Allele origin: germline.
Comment: This sequence change replaces asparagine, which is neutral and polar, with threonine, which is neutral and polar, at codon 441 of the POT1 protein (p.Asn441Thr). This variant is not present in population databases (gnomAD no frequency). This variant has not been reported in the literature in individuals affected with POT1-related conditions. ClinVar contains an entry for this variant (Variation ID: 655638). Invitae Evidence Modeling of protein sequence and biophysical properties (such as structural, functional, and spatial information, amino acid conservation, physicochemical variation, residue mobility, and thermodynamic stability) indicates that this missense variant is not expected to disrupt POT1 protein function with a negative predictive value of 80%. In summary, the available evidence is currently insufficient to determine the role of this variant in disease. Therefore, it has been classified as a Variant of Uncertain Significance.

Ambry Genetics
Classification: Uncertain significance for Hereditary cancer-predisposing syndrome. Last evaluated: 2024-04-26. Review status: criteria provided, single submitter. Criteria: Ambry Variant Classification Scheme 2023. Collection method: clinical testing. Allele origin: germline.
Comment: The p.N441T variant (also known as c.1322A>C), located in coding exon 10 of the POT1 gene, results from an A to C substitution at nucleotide position 1322. The asparagine at codon 441 is replaced by threonine, an amino acid with similar properties. This amino acid position is conserved. In addition, this alteration is predicted to be tolerated by in silico analysis. Since supporting evidence is limited at this time, the clinical significance of this alteration remains unclear.

GeneDx
Classification: Uncertain significance. Last evaluated: 2024-01-31. Review status: criteria provided, single submitter. Criteria: GeneDx Variant Classification Process June 2021. Collection method: clinical testing. Allele origin: germline. Affected: yes.
Comment: Not observed at significant frequency in large population cohorts (gnomAD); In silico analysis supports that this missense variant does not alter protein structure/function; Has not been previously published as pathogenic or benign to our knowledge; This variant is associated with the following publications: (PMID: 28393830)